The following is an entry in ClinVar:

ClinVar aggregate classification (germline): Uncertain significance. Review status: criteria provided, multiple submitters, no conflicts (2 of 4 stars). 2 submissions from 2 submitters: Uncertain significance (2). Last evaluated 2024-08-13.

Conditions:
Frontotemporal dementia (FTD1). Also called: FRONTOTEMPORAL LOBAR DEGENERATION WITH TAU INCLUSIONS; FTLD WITH TAU INCLUSIONS; Dementia, frontotemporal, with or without parkinsonism; WILHELMSEN-LYNCH DISEASE; FRONTOTEMPORAL DEMENTIA WITH PARKINSONISM; FRONTOTEMPORAL LOBE DEMENTIA. Identifiers: Orphanet 282, MedGen C0338451, MONDO:0017276, OMIM 600274, HP:0002145.

Allele frequency attached by ClinVar (database versions not stated): gnomAD exomes below 0.00001; TOPMed below 0.00001; gnomAD 0.00001; ExAC 0.00004.
gnomAD v4.1: 9 of 1,569,512 alleles (0.00057%); highest among the groups gnomAD compares: Admixed American, 0.0019%; no homozygotes.

Submissions (2):

Revvity Omics, Revvity
Classification: Uncertain significance. Last evaluated: 2024-08-13. Review status: criteria provided, single submitter. Criteria: ACMG Guidelines, 2015. Collection method: clinical testing. Allele origin: germline.

Labcorp Genetics (formerly Invitae), Labcorp
Classification: Uncertain significance for Frontotemporal dementia. Last evaluated: 2023-07-19. Review status: criteria provided, single submitter. Criteria: Invitae Variant Classification Sherloc (09022015). Collection method: clinical testing. Allele origin: germline.
Comment: In summary, the available evidence is currently insufficient to determine the role of this variant in disease. Therefore, it has been classified as a Variant of Uncertain Significance. Advanced modeling of protein sequence and biophysical properties (such as structural, functional, and spatial information, amino acid conservation, physicochemical variation, residue mobility, and thermodynamic stability) has been performed at Invitae for this missense variant, however the output from this modeling did not meet the statistical confidence thresholds required to predict the impact of this variant on MAPT protein function. This missense change has been observed in individual(s) with progressive nonfluent aphasia (PMID: 21558644). The frequency data for this variant in the population databases is considered unreliable, as metrics indicate poor data quality at this position in the gnomAD database. This sequence change replaces glycine, which is neutral and non-polar, with serine, which is neutral and polar, at codon 304 of the MAPT protein (p.Gly304Ser).

Literature cited by the submitters: PubMed 21558644 (cited by Labcorp Genetics (formerly Invitae), Labcorp).

NM_001377265.1(MAPT):c.2086G>A (p.Gly696Ser)

Gene: MAPT (microtubule associated protein tau). Cytogenetic location: 17q21.31.
Variant type: single nucleotide variant.
Coding change: c.2086G>A on transcript NM_001377265.1 (MANE Select); coding-DNA position 2086, G replaced by A.
Protein change: p.Gly696Ser; replaces glycine 696 with serine.
Molecular consequence: missense variant. On other transcripts: intron variant (6).
Genome position (GRCh38, 1-based): chr17:46,010,397, G>A. VCF-style: chr17-46010397-G-A. GRCh37 (hg19) VCF-style: chr17-44087763-G-A.
Other names: c.1915G>A, p.Gly639Ser (NM_001123066.4); c.823G>A, p.Gly275Ser (NM_001123067.4); c.910G>A, p.Gly304Ser (NM_005910.6); c.736G>A, p.Gly246Ser (NM_016834.5); c.1861G>A, p.Gly621Ser (NM_016835.5); c.649-3846G>A (NM_001377268.1, NM_016841.5); c.823-3846G>A (NM_001203252.2); c.1801-3846G>A (NM_001377266.1); and 2 more; short protein forms G621S, G275S, G304S, G696S, G246S, G639S.
Identifiers: ClinVar variation 2730627 (VCV002730627.4), dbSNP rs780862453, ClinGen allele CA8618183.